The following is an entry in ClinVar:

ClinVar aggregate classification (germline): Uncertain significance (1 of 4 stars; one submission).

Conditions:
SMAD6-related disease. Also called: SMAD6-related condition; SMAD6-related disorder. Identifiers: MedGen CN381596, MONDO:0700324.

Submission:

PreventionGenetics, part of Exact Sciences
Classification: Uncertain significance for SMAD6-related condition. Last evaluated: 2022-10-25. Review status: criteria provided, single submitter. Criteria: ACMG Guidelines, 2015. Collection method: clinical testing. Allele origin: germline.
Comment: The SMAD6 c.859G>C variant is predicted to result in the amino acid substitution p.Glu287Gln. To our knowledge, this variant has not been reported in the literature or in a large population database, indicating this variant is rare. At this time, the clinical significance of this variant is uncertain due to the absence of conclusive functional and genetic evidence.

NM_005585.5(SMAD6):c.859G>C (p.Glu287Gln)

Gene: SMAD6 (SMAD family member 6; plus strand). Cytogenetic location: 15q22.31.
Variant type: single nucleotide variant.
Coding change: c.859G>C on transcript NM_005585.5 (MANE Select); coding-DNA position 859, G replaced by C.
Protein change: p.Glu287Gln; replaces glutamic acid 287 with glutamine.
Molecular consequence: missense variant. On other transcripts: non-coding transcript variant (1).
Genome position (GRCh38, 1-based): chr15:66,711,709, G>C. VCF-style: chr15-66711709-G-C. GRCh37 (hg19) VCF-style: chr15-67004047-G-C.
Other names: short protein forms E287Q.
Identifiers: ClinVar variation 2635473 (VCV002635473.1), dbSNP rs570279865, ClinGen allele CA392951098.